The following is an entry in ClinVar:

NM_000168.6(GLI3):c.1242+6A>G

Gene: GLI3 (GLI family zinc finger 3; minus strand). Cytogenetic location: 7p14.1.
Variant type: single nucleotide variant.
Coding change: c.1242+6A>G on transcript NM_000168.6 (MANE Select); 6 bases into the intron after coding-DNA position 1242, A replaced by G.
Molecular consequence: intron variant.
Genome position (GRCh38, 1-based): chr7:42,026,193, T>C on the plus strand (A>G on the coding strand, the complement: GLI3 is on the minus strand). VCF-style: chr7-42026193-T-C. GRCh37 (hg19) VCF-style: chr7-42065792-T-C.
Identifiers: ClinVar variation 4782762 (VCV004782762.1).

ClinVar aggregate classification (germline): Uncertain significance (1 of 4 stars; one submission).

Conditions:
Pallister-Hall syndrome (PHS). Also called: GLI3-Related Pallister-Hall Syndrome; HYPOTHALAMIC HAMARTOBLASTOMA, HYPOPITUITARISM, IMPERFORATE ANUS, AND POSTAXIAL POLYDACTYLY. Identifiers: Orphanet 672, MedGen C0265220, MONDO:0007804, OMIM 146510.
Greig cephalopolysyndactyly syndrome (GCPS). Also called: POLYSYNDACTYLY WITH PECULIAR SKULL SHAPE; Greig syndrome; GLI3-Related Greig Cephalopolysyndactyly Syndrome. Identifiers: Orphanet 380, MedGen C0265306, MONDO:0008287, OMIM 175700.

gnomAD v4.1: 23 of 1,606,942 alleles (0.0014%); highest among the groups gnomAD compares: Non-Finnish European, 0.0019%; no homozygotes.

Submission:

Labcorp Genetics (formerly Invitae), Labcorp
Classification: Uncertain significance for Pallister-Hall syndrome; Greig cephalopolysyndactyly syndrome. Last evaluated: 2025-10-19. Review status: criteria provided, single submitter. Criteria: Invitae Variant Classification Sherloc (09022015). Collection method: clinical testing. Allele origin: germline.
Comment: This sequence change falls in intron 8 of the GLI3 gene. It does not directly change the encoded amino acid sequence of the GLI3 protein. It affects a nucleotide within the consensus splice site. This variant is present in population databases (rs771759913, gnomAD 0.007%). This variant has not been reported in the literature in individuals affected with GLI3-related conditions. Variants that disrupt the consensus splice site are a relatively common cause of aberrant splicing (PMID: 17576681, 9536098). Algorithms developed to predict the effect of sequence changes on RNA splicing suggest that this variant is not likely to affect RNA splicing. In summary, the available evidence is currently insufficient to determine the role of this variant in disease. Therefore, it has been classified as a Variant of Uncertain Significance.

Literature cited by the submitters: PubMed 17576681; PubMed 9536098.